The following is an entry in ClinVar:

ClinVar aggregate classification (germline): Uncertain significance (1 of 4 stars; one submission).

Conditions:
Rubinstein-Taybi syndrome due to EP300 haploinsufficiency. Also called: EP300-Related Rubinstein-Taybi Syndrome; RUBINSTEIN-TAYBI SYNDROME 2. Identifiers: Orphanet 353284, Orphanet 783, MedGen C3150941, MONDO:0013364, OMIM 613684.

gnomAD v4.1: 2 of 1,614,142 alleles (0.00012%); highest among the groups gnomAD compares: Non-Finnish European, 0.00017%; no homozygotes.

Submission:

Labcorp Genetics (formerly Invitae), Labcorp
Classification: Uncertain significance for Rubinstein-Taybi syndrome due to EP300 haploinsufficiency. Last evaluated: 2025-11-25. Review status: criteria provided, single submitter. Criteria: Invitae Variant Classification Sherloc (09022015). Collection method: clinical testing. Allele origin: germline.
Comment: This sequence change replaces proline, which is neutral and non-polar, with serine, which is neutral and polar, at codon 2163 of the EP300 protein (p.Pro2163Ser). This variant is not present in population databases (gnomAD no frequency). This variant has not been reported in the literature in individuals affected with EP300-related conditions. Invitae Evidence Modeling of protein sequence and biophysical properties (such as structural, functional, and spatial information, amino acid conservation, physicochemical variation, residue mobility, and thermodynamic stability) indicates that this missense variant is not expected to disrupt EP300 protein function with a negative predictive value of 80%. In summary, the available evidence is currently insufficient to determine the role of this variant in disease. Therefore, it has been classified as a Variant of Uncertain Significance.

NM_001429.4(EP300):c.6487C>T (p.Pro2163Ser)

Gene: EP300 (EP300 lysine acetyltransferase; plus strand). Cytogenetic location: 22q13.2.
Variant type: single nucleotide variant.
Coding change: c.6487C>T on transcript NM_001429.4 (MANE Select); coding-DNA position 6487, C replaced by T.
Protein change: p.Pro2163Ser; replaces proline 2163 with serine.
Molecular consequence: missense variant.
Genome position (GRCh38, 1-based): chr22:41,178,198, C>T. VCF-style: chr22-41178198-C-T. GRCh37 (hg19) VCF-style: chr22-41574202-C-T.
Other names: c.6409C>T, p.Pro2137Ser (NM_001362843.2); short protein forms P2163S, P2137S.
Identifiers: ClinVar variation 4780036 (VCV004780036.1).